The following is an entry in ClinVar:

NM_174936.4(PCSK9):c.1915C>G (p.Pro639Ala)

Gene: PCSK9 (proprotein convertase subtilisin/kexin type 9; plus strand). Cytogenetic location: 1p32.3.
Variant type: single nucleotide variant.
Coding change: c.1915C>G on transcript NM_174936.4 (MANE Select); coding-DNA position 1915, C replaced by G.
Protein change: p.Pro639Ala; replaces proline 639 with alanine.
Molecular consequence: missense variant.
Genome position (GRCh38, 1-based): chr1:55,063,420, C>G. VCF-style: chr1-55063420-C-G. GRCh37 (hg19) VCF-style: chr1-55529093-C-G.
Other names: c.2038C>G, p.Pro680Ala (NM_001407240.1); c.1957C>G, p.Pro653Ala (NM_001407241.1); c.1918C>G, p.Pro640Ala (NM_001407242.1); c.1858C>G, p.Pro620Ala (NM_001407243.1); c.1741C>G, p.Pro581Ala (NM_001407244.1); c.1723C>G, p.Pro575Ala (NM_001407245.1); c.1540C>G, p.Pro514Ala (NM_001407246.1); c.1414C>G, p.Pro472Ala (NM_001407247.1); short protein forms P639A, P472A, P581A, P640A, P514A, P620A, P575A, P653A.
Identifiers: ClinVar variation 630600 (VCV000630600.16), dbSNP rs758249397, ClinGen allele CA039660.
Genomic context (GRCh38, chr1:55,063,420, plus strand): 5'-CTCTGGCAGGTGACCGTGGCCTGCGAGGAGGGCTGGACCCTGACTGGCTGCAGTGCCCTC[C>G]CTGGGACCTCCCACGTCCTGGGGGCCTACGCCGTAGACAACACGTGTGTAGTCAGGAGCC-3'
Protein context (NP_777596.2, residues 629-649): GWTLTGCSAL[Pro639Ala]GTSHVLGAYA

ClinVar aggregate classification (germline): Uncertain significance. Review status: criteria provided, multiple submitters, no conflicts (2 of 4 stars). 7 submissions from 7 submitters: Uncertain significance (7). Last evaluated 2025-10-17.

Conditions:
Cardiovascular phenotype. Identifiers: MedGen CN230736.
Hypercholesterolemia, autosomal dominant, 3 (FHCL3). Also called: Familial Hypercholesterolemia, Autosomal Dominant, 3; Familial hypercholesterolemia 3; PCSK9-Related Familial Hypercholesterolemia, Autosomal Dominant. Identifiers: MedGen C1863551, MONDO:0011369, OMIM 603776.
PCSK9-related disorder. Also called: PCSK9-related condition; PCSK9-related disorders.
Familial hypercholesterolemia. Also called: Familial hypercholesterolemias; Familial hypercholesterolaemia. Identifiers: MedGen C0020445, MONDO:0005439.

Allele frequency attached by ClinVar (database versions not stated): gnomAD 0.00002 and 0.00003; TOPMed 0.00002; ExAC 0.00004; gnomAD exomes 0.00004.
gnomAD v4.1: 56 of 1,613,822 alleles (0.0035%); highest among the groups gnomAD compares: Non-Finnish European, 0.0047%; no homozygotes.

Submissions (7):

PreventionGenetics, part of Exact Sciences
Classification: Uncertain significance for PCSK9-related condition. Last evaluated: 2025-10-17. Review status: criteria provided, single submitter. Criteria: ACMG Guidelines, 2015. Collection method: clinical testing. Allele origin: germline.
Comment: The PCSK9 c.1915C>G variant is predicted to result in the amino acid substitution p.Pro639Ala. To our knowledge, this variant has not been reported in the literature. This variant is reported in 0.0086% of alleles in individuals of European (Non-Finnish) descent in gnomAD. At this time, the clinical significance of this variant is uncertain due to the absence of conclusive functional and genetic evidence.

Color Diagnostics, LLC DBA Color Health
Classification: Uncertain significance for Familial hypercholesterolemia. Last evaluated: 2025-03-10. Review status: criteria provided, single submitter. Criteria: ACMG Guidelines, 2015. Collection method: clinical testing. Allele origin: germline.
Comment: This missense variant replaces proline with alanine at codon 639 of the PCSK9 protein. Computational prediction suggests that this variant may not impact protein structure and function (internally defined REVEL score threshold <= 0.5, PMID: 27666373). To our knowledge, functional studies have not been reported for this variant. This variant has not been reported in individuals affected with PCSK9-related disorders in the literature. This variant has been identified in 11/280494 chromosomes in the general population by the Genome Aggregation Database (gnomAD). The available evidence is insufficient to determine the role of this variant in disease conclusively. Therefore, this variant is classified as a Variant of Uncertain Significance.

Ambry Genetics
Classification: Uncertain significance for Cardiovascular phenotype. Last evaluated: 2024-09-17. Review status: criteria provided, single submitter. Criteria: Ambry Variant Classification Scheme 2023. Collection method: clinical testing. Allele origin: germline.
Comment: The p.P639A variant (also known as c.1915C>G), located in coding exon 12 of the PCSK9 gene, results from a C to G substitution at nucleotide position 1915. The proline at codon 639 is replaced by alanine, an amino acid with highly similar properties. This amino acid position is not well conserved in available vertebrate species. In addition, this alteration is predicted to be tolerated by in silico analysis. Since supporting evidence is limited at this time, the clinical significance of this alteration remains unclear.

Blueprint Genetics
Classification: Uncertain significance. Last evaluated: 2024-08-15. Review status: criteria provided, single submitter. Criteria: ACMG Guidelines, 2015. Collection method: clinical testing. Allele origin: germline.

Labcorp Genetics (formerly Invitae), Labcorp
Classification: Uncertain significance for Hypercholesterolemia, autosomal dominant, 3. Last evaluated: 2024-01-10. Review status: criteria provided, single submitter. Criteria: Invitae Variant Classification Sherloc (09022015). Collection method: clinical testing. Allele origin: germline.
Comment: This sequence change replaces proline, which is neutral and non-polar, with alanine, which is neutral and non-polar, at codon 639 of the PCSK9 protein (p.Pro639Ala). This variant is present in population databases (rs758249397, gnomAD 0.009%). This variant has not been reported in the literature in individuals affected with PCSK9-related conditions. ClinVar contains an entry for this variant (Variation ID: 630600). Advanced modeling of protein sequence and biophysical properties (such as structural, functional, and spatial information, amino acid conservation, physicochemical variation, residue mobility, and thermodynamic stability) performed at Invitae indicates that this missense variant is not expected to disrupt PCSK9 protein function with a negative predictive value of 95%. In summary, the available evidence is currently insufficient to determine the role of this variant in disease. Therefore, it has been classified as a Variant of Uncertain Significance.

All of Us Research Program, National Institutes of Health
Classification: Uncertain significance for Hypercholesterolemia, autosomal dominant, 3. Last evaluated: 2023-12-13. Review status: criteria provided, single submitter. Criteria: ACMG Guidelines, 2015. Collection method: clinical testing. Allele origin: germline. Inheritance: Autosomal dominant inheritance. Observed: 10 variant alleles, 10 heterozygotes.
Comment: This missense variant replaces proline with alanine at codon 639 of the PCSK9 protein. Computational prediction suggests that this variant may not impact protein structure and function (internally defined REVEL score threshold <= 0.5, PMID: 27666373). To our knowledge, functional studies have not been reported for this variant. This variant has not been reported in individuals affected with familial hypercholesterolemia in the literature. This variant has been identified in 11/280494 chromosomes in the general population by the Genome Aggregation Database (gnomAD). The available evidence is insufficient to determine the role of this variant in disease conclusively. Therefore, this variant is classified as a Variant of Uncertain Significance.

This study involves interpretation of variants in research participants for the purpose of population health screening. Participant phenotype was not available at the time of variant classification. Additional details can be found in publication PMID: 35346344, PMCID: PMC8962531

GeneDx
Classification: Uncertain significance. Last evaluated: 2019-09-13. Review status: criteria provided, single submitter. Criteria: GeneDx Variant Classification Process June 2021. Collection method: clinical testing. Allele origin: germline. Affected: yes.
Comment: Has not been previously published as pathogenic or benign to our knowledge; Reported in ClinVar as a variant of uncertain significance (ClinVar Variant ID# 630600; Landrum et al., 2016); In silico analysis, which includes protein predictors and evolutionary conservation, supports that this variant does not alter protein structure/function